The following is an entry in ClinVar:

ClinVar aggregate classification (germline): Conflicting classifications of pathogenicity. Review status: criteria provided, conflicting classifications (1 of 4 stars). 6 submissions from 6 submitters: Uncertain significance (3); Likely benign (3). Last evaluated 2026-01-11.

Conditions:
DICER1-related tumor predisposition. Also called: DICER1-related pleuropulmonary blastoma cancer predisposition syndrome; DICER1 syndrome. Identifiers: Orphanet 284343, MedGen C3839822, MONDO:0100216.
Hereditary cancer-predisposing syndrome. Also called: Hereditary neoplastic syndrome; Neoplastic Syndromes, Hereditary; Tumor predisposition; Hereditary Cancer Syndrome. Identifiers: Orphanet 140162, MedGen C0027672, MeSH D009386, MONDO:0015356.
Global developmental delay - lung cysts - overgrowth - Wilms tumor syndrome. Also called: GLOW Syndrome; GLOBAL DEVELOPMENTAL DELAY, LUNG CYSTS, OVERGROWTH, AND WILMS TUMOR. Identifiers: Orphanet 404476, MedGen C4748924, MONDO:0018445, OMIM 618272.

Allele frequency attached by ClinVar (database versions not stated): gnomAD 0.00001 and 0.00003; gnomAD exomes 0.00001; ExAC 0.00002; TOPMed 0.00002; 1000 Genomes Project 0.00060; 1000 Genomes Project 30x 0.00078.
gnomAD v4.1: 14 of 1,614,224 alleles (0.00087%); highest among the groups gnomAD compares: Admixed American, 0.022%; no homozygotes.

Submissions (6):

Labcorp Genetics (formerly Invitae), Labcorp
Classification: Likely benign for DICER1-related tumor predisposition. Last evaluated: 2026-01-11. Review status: criteria provided, single submitter. Criteria: Invitae Variant Classification Sherloc (09022015). Collection method: clinical testing. Allele origin: germline.

GeneDx
Classification: Uncertain significance. Last evaluated: 2024-11-07. Review status: criteria provided, single submitter. Criteria: GeneDx Variant Classification Process June 2021. Collection method: clinical testing. Allele origin: germline. Affected: yes.
Comment: Not observed at significant frequency in large population cohorts (gnomAD); In silico analysis indicates that this missense variant does not alter protein structure/function; Has not been previously published as pathogenic or benign to our knowledge

Quest Diagnostics Nichols Institute San Juan Capistrano
Classification: Likely benign. Last evaluated: 2023-09-18. Review status: criteria provided, single submitter. Criteria: Quest Diagnostics criteria. Collection method: clinical testing. Allele origin: unknown.

Baylor Genetics
Classification: Uncertain significance for Global developmental delay - lung cysts - overgrowth - Wilms tumor syndrome. Last evaluated: 2023-08-24. Review status: criteria provided, single submitter. Criteria: ACMG Guidelines, 2015. Collection method: clinical testing. Allele origin: unknown.

Sema4
Classification: Uncertain significance for Hereditary cancer-predisposing syndrome. Last evaluated: 2022-02-05. Review status: criteria provided, single submitter. Criteria: Sema4 Curation Guidelines. Collection method: curation. Allele origin: germline.
Comment: To the best of our knowledge, the DICER1 c.4894T>C (p.S1632P) variant has not been reported in individuals with DICER1-related disease. It was observed in 3/34590 chromosomes of the Latino subpopulation in the large and broad cohorts of the Genome Aggregation Database (PMID: 32461654). The variant has been reported in ClinVar (Variation ID 412102). In silico tools suggest the impact of the variant on protein function is benign though these predictions have not been confirmed by functional studies. There is no indication that this variant causes disease, but the evidence is insufficient currently to prove that conclusively. Thus, the clinical significance of this variant is currently uncertain.

Ambry Genetics
Classification: Likely benign for Hereditary cancer-predisposing syndrome. Last evaluated: 2019-02-20. Review status: criteria provided, single submitter. Criteria: Ambry Variant Classification Scheme 2023. Collection method: clinical testing. Allele origin: germline.

NM_177438.3(DICER1):c.4894T>C (p.Ser1632Pro)

Gene: DICER1 (dicer 1, ribonuclease III; minus strand). Cytogenetic location: 14q32.13.
Variant type: single nucleotide variant.
Coding change: c.4894T>C on transcript NM_177438.3 (MANE Select); coding-DNA position 4894, T replaced by C.
Protein change: p.Ser1632Pro; replaces serine 1632 with proline.
Molecular consequence: missense variant.
Genome position (GRCh38, 1-based): chr14:95,096,026, A>G on the plus strand (T>C on the coding strand, the complement: DICER1 is on the minus strand). VCF-style: chr14-95096026-A-G. GRCh37 (hg19) VCF-style: chr14-95562363-A-G.
Other names: c.4894T>C, p.Ser1632Pro (NM_001195573.1, NM_001271282.3, NM_001291628.2 and 1 more transcripts); short protein forms S1632P.
Identifiers: ClinVar variation 412102 (VCV000412102.18), dbSNP rs545392797, ClinGen allele CA7330776.
Genomic context (GRCh38, chr14:95,096,026, plus strand): 5'-GATCAAACATACATCTTGGTGGAATCTTCAAACAACCATATTCCGAGTCTTTCAATACAG[A>G]AGAGCGTGAACTGGCCACAGAAGCAGCAGCACAGCTCACTGAAAGGTTCTTTTGTTGGCT-3'
Protein context (NP_803187.1, residues 1622-1642): AAASVASSRS[Ser1632Pro]VLKDSEYGCL